The following is an entry in ClinVar:

NM_002473.6(MYH9):c.4525C>G (p.Leu1509Val)

Gene: MYH9 (myosin heavy chain 9; minus strand). Cytogenetic location: 22q12.3.
Variant type: single nucleotide variant.
Coding change: c.4525C>G on transcript NM_002473.6 (MANE Select); coding-DNA position 4525, C replaced by G.
Protein change: p.Leu1509Val; replaces leucine 1509 with valine.
Molecular consequence: missense variant.
Genome position (GRCh38, 1-based): chr22:36,289,117, G>C on the plus strand (C>G on the coding strand, the complement: MYH9 is on the minus strand). VCF-style: chr22-36289117-G-C. GRCh37 (hg19) VCF-style: chr22-36685163-G-C.
Other names: short protein forms L1509V.
Identifiers: ClinVar variation 3696298 (VCV003696298.3).

ClinVar aggregate classification (germline): Conflicting classifications of pathogenicity. Review status: criteria provided, conflicting classifications (1 of 4 stars). 2 submissions from 2 submitters: Uncertain significance (1); Likely benign (1). Last evaluated 2024-12-27.

Conditions:
MYH9-related disorder. Identifiers: MedGen C1854520.

gnomAD v4.1: 35 of 1,613,988 alleles (0.0022%); highest among the groups gnomAD compares: Non-Finnish European, 0.0029%; no homozygotes.

Submissions (2):

PreventionGenetics, part of Exact Sciences
Classification: Uncertain significance for MYH9-related condition. Last evaluated: 2024-12-27. Review status: criteria provided, single submitter. Criteria: ACMG Guidelines, 2015. Collection method: clinical testing. Allele origin: germline.
Comment: The MYH9 c.4525C>G variant is predicted to result in the amino acid substitution p.Leu1509Val. To our knowledge, this variant has not been reported in the literature. This variant is reported in 0.0018% of alleles in individuals of European (Non-Finnish) descent in gnomAD. At this time, the clinical significance of this variant is uncertain due to the absence of conclusive functional and genetic evidence.

Labcorp Genetics (formerly Invitae), Labcorp
Classification: Likely benign. Last evaluated: 2024-07-08. Review status: criteria provided, single submitter. Criteria: Invitae Variant Classification Sherloc (09022015). Collection method: clinical testing. Allele origin: germline.